The following is an entry in ClinVar:

NM_005188.4(CBL):c.1199T>G (p.Met400Arg)

Gene: CBL (Cbl proto-oncogene; plus strand). Cytogenetic location: 11q23.3.
Variant type: single nucleotide variant.
Coding change: c.1199T>G on transcript NM_005188.4 (MANE Select); coding-DNA position 1199, T replaced by G.
Protein change: p.Met400Arg; replaces methionine 400 with arginine.
Molecular consequence: missense variant.
Genome position (GRCh38, 1-based): chr11:119,278,269, T>G. VCF-style: chr11-119278269-T-G. GRCh37 (hg19) VCF-style: chr11-119148979-T-G.
Other names: p.M400R:ATG>AGG; short protein forms M400R.
Identifiers: ClinVar variation 40405 (VCV000040405.2), dbSNP rs397507491, ClinGen allele CA282021.

ClinVar aggregate classification (germline): Pathogenic (1 of 4 stars; one submission).

gnomAD v4.1: 1 of 1,614,052 alleles (0.000062%); highest among the groups gnomAD compares: Non-Finnish European, 0.000085%; no homozygotes.

Submission:

GeneDx
Classification: Pathogenic. Last evaluated: 2012-06-19. Review status: criteria provided, single submitter. Criteria: GeneDx Variant Classification (06012015). Collection method: clinical testing. Allele origin: germline. Affected: yes.
Comment: This variant is denoted as p.Met400Arg (p.M400R) at the protein level, c.1199T>G at the cDNA level, and results in the change of a Methionine for an Arginine in exon 8 of the CBL gene (NM_005188.2). According to the Catalogue of Somatic Mutations in Cancer (COSMIC) database, the M400R missense mutation in the CBL gene has been reported previously as a somatic mutation in haematopoietic and lymphoid tissue. The M400R amino acid substitution is non-conservative with a neutral and non-polar residue (Met) being replaced by a positively charged and polar residue (Arg) at a position of the protein that is highly conserved. Missense mutations in nearby codons (D390Y and R420Q) have been reported in association with Noonan-like syndrome (Martinelli et al., 2010). Also, missense mutations in nearby codons (C396R, H398R, C404R, W408R) have been been reported in association with juvenile myelomonocytic leukemia (JMML) (Niemeyer et al., 2010). The variant is found in NOONAN panel(s).